The following is an entry in ClinVar:

ClinVar aggregate classification (germline): Likely pathogenic. Review status: criteria provided, multiple submitters, no conflicts (2 of 4 stars). 2 submissions from 2 submitters: Likely pathogenic (2).

Conditions:
Sandhoff disease. Also called: GM2-GANGLIOSIDOSIS, TYPE II; HEXOSAMINIDASES A AND B DEFICIENCY; Beta-hexosaminidase-beta-subunit deficiency; GM2 gangliosidosis, type 2; Total hexosaminidase deficiency; Sandhoff-Jatzkewitz-Pilz disease. Identifiers: Orphanet 796, MedGen C0036161, MONDO:0010006, OMIM 268800.

Submissions (2):

Juno Genomics, Hangzhou Juno Genomics, Inc
Classification: Likely pathogenic for Sandhoff disease. Review status: criteria provided, single submitter. Criteria: ACMG Guidelines, 2015. Collection method: clinical testing. Allele origin: germline.
Comment: Null variant in a gene where loss of function (LOF) is a known mechanism of disease.;Absent from controls (or at extremely low frequency if recessive) in Genome Aggregation Database.

Neuberg Centre For Genomic Medicine, NCGM
Classification: Likely pathogenic for Sandhoff disease. Review status: criteria provided, single submitter. Criteria: ACMG Guidelines, 2015. Collection method: clinical testing. Allele origin: germline. Inheritance: Autosomal recessive inheritance. Affected: yes.

NM_000521.4(HEXB):c.1540_1541del (p.Trp514fs)

Gene: HEXB (hexosaminidase subunit beta; plus strand). Cytogenetic location: 5q13.3.
Variant type: Deletion.
Coding change: c.1540_1541del on transcript NM_000521.4 (MANE Select); coding-DNA positions 1540 to 1541, 2 bases deleted (TG; older notation c.1540_1541delTG).
Protein change: p.Trp514fs; shifts the reading frame from tryptophan 514.
Molecular consequence: frameshift variant.
Genome position (GRCh38, 1-based): chr5:74,720,674-74,720,675, TG deleted. VCF-style (leftmost placement, unchanged base first): chr5-74720673-CTG-C. GRCh37 (hg19) VCF-style: chr5-74016498-CTG-C.
Other names: c.865_866del, p.Trp289fs (NM_001292004.2); short protein forms W289fs, W514fs.
Identifiers: ClinVar variation 3377577 (VCV003377577.3).